The following is an entry in ClinVar:

NM_001386298.1(CIC):c.4825T>G (p.Ser1609Ala)

Gene: CIC (capicua transcriptional repressor; plus strand). Cytogenetic location: 19q13.2.
Variant type: single nucleotide variant.
Coding change: c.4825T>G on transcript NM_001386298.1 (MANE Select); coding-DNA position 4825, T replaced by G.
Protein change: p.Ser1609Ala; replaces serine 1609 with alanine.
Molecular consequence: missense variant.
Genome position (GRCh38, 1-based): chr19:42,290,866, T>G. VCF-style: chr19-42290866-T-G. GRCh37 (hg19) VCF-style: chr19-42795018-T-G.
Other names: c.4825T>G, p.Ser1609Ala (NM_001304815.2, NM_001379480.1, NM_001379482.1 and 1 more transcripts); c.2098T>G, p.Ser700Ala (NM_001379484.1, NM_001379485.1, NM_015125.5); short protein forms S1609A, S700A.
Identifiers: ClinVar variation 2662284 (VCV002662284.1), dbSNP rs1242237989, ClinGen allele CA406109479.

ClinVar aggregate classification (germline): Uncertain significance (1 of 4 stars; one submission).

Submission:

GeneDx
Classification: Uncertain significance. Last evaluated: 2023-05-14. Review status: criteria provided, single submitter. Criteria: GeneDx Variant Classification Process June 2021. Collection method: clinical testing. Allele origin: germline. Affected: yes.
Comment: Not observed at significant frequency in large population cohorts (gnomAD); In silico analysis supports that this missense variant does not alter protein structure/function; Has not been previously published as pathogenic or benign to our knowledge